The following is an entry in ClinVar:

ClinVar aggregate classification (germline): Uncertain significance. Review status: criteria provided, multiple submitters, no conflicts (2 of 4 stars). 4 submissions from 3 submitters: Uncertain significance (4). Last evaluated 2023-02-08.

Conditions:
Inborn genetic diseases. Identifiers: MedGen C0950123, MeSH D030342.
Seckel syndrome 1 (SCKL1). Also called: MICROCEPHALIC PRIMORDIAL DWARFISM I. Identifiers: Orphanet 808, MedGen C4551474, MONDO:0008869, OMIM 210600.
Familial cutaneous telangiectasia and oropharyngeal predisposition cancer syndrome. Identifiers: Orphanet 313846, MedGen C3281203, MONDO:0013806, OMIM 614564.

Allele frequency attached by ClinVar (database versions not stated): gnomAD exomes 0.00001.
gnomAD v4.1: 8 of 1,613,432 alleles (0.0005%); highest among the groups gnomAD compares: Non-Finnish European, 0.00068%; no homozygotes.

Submissions (4):

Genome-Nilou Lab
Classification: Uncertain significance for Seckel syndrome 1. Last evaluated: 2023-02-08. Review status: criteria provided, single submitter. Criteria: ACMG Guidelines, 2015. Collection method: clinical testing. Allele origin: germline.

Genome-Nilou Lab
Classification: Uncertain significance for Familial cutaneous telangiectasia and oropharyngeal predisposition cancer syndrome. Last evaluated: 2023-02-08. Review status: criteria provided, single submitter. Criteria: ACMG Guidelines, 2015. Collection method: clinical testing. Allele origin: germline.

Ambry Genetics
Classification: Uncertain significance for Inborn genetic diseases. Last evaluated: 2022-08-24. Review status: criteria provided, single submitter. Criteria: Ambry Variant Classification Scheme 2023. Collection method: clinical testing. Allele origin: germline.
Comment: The p.T612I variant (also known as c.1835C>T), located in coding exon 8 of the ATR gene, results from a C to T substitution at nucleotide position 1835. The threonine at codon 612 is replaced by isoleucine, an amino acid with similar properties. This amino acid position is conserved. In addition, this alteration is predicted to be tolerated by in silico analysis. Since supporting evidence is limited at this time, the clinical significance of this alteration remains unclear.

Labcorp Genetics (formerly Invitae), Labcorp
Classification: Uncertain significance. Last evaluated: 2020-06-28. Review status: criteria provided, single submitter. Criteria: Invitae Variant Classification Sherloc (09022015). Collection method: clinical testing. Allele origin: germline.
Comment: In summary, the available evidence is currently insufficient to determine the role of this variant in disease. Therefore, it has been classified as a Variant of Uncertain Significance. Algorithms developed to predict the effect of missense changes on protein structure and function are either unavailable or do not agree on the potential impact of this missense change (SIFT: "Deleterious"; PolyPhen-2: "Benign"; Align-GVGD: "Class C0"). This variant has not been reported in the literature in individuals with ATR-related conditions. This variant is not present in population databases (ExAC no frequency). This sequence change replaces threonine with isoleucine at codon 612 of the ATR protein (p.Thr612Ile). The threonine residue is weakly conserved and there is a moderate physicochemical difference between threonine and isoleucine.

NM_001184.4(ATR):c.1835C>T (p.Thr612Ile)

Gene: ATR (ATR checkpoint kinase; minus strand). Cytogenetic location: 3q23.
Variant type: single nucleotide variant.
Coding change: c.1835C>T on transcript NM_001184.4 (MANE Select); coding-DNA position 1835, C replaced by T.
Protein change: p.Thr612Ile; replaces threonine 612 with isoleucine.
Molecular consequence: missense variant.
Genome position (GRCh38, 1-based): chr3:142,558,674, G>A on the plus strand (C>T on the coding strand, the complement: ATR is on the minus strand). VCF-style: chr3-142558674-G-A. GRCh37 (hg19) VCF-style: chr3-142277516-G-A.
Other names: c.1643C>T, p.Thr548Ile (NM_001354579.2); short protein forms T548I, T612I.
Identifiers: ClinVar variation 1062735 (VCV001062735.11), dbSNP rs2108477446, ClinGen allele CA354820925.
Genomic context (GRCh38, chr3:142,558,674, plus strand): 5'-GAGCACTTACAATAGCTATCTGAAATCCTACAGCTTAATGTTAGAAGATTAGCGGCAAAT[G>A]TGGTCAACTTTAAACAGCCATCATCAGAATGGGAATAAATCCATGGAAGTGAGAGCATAC-3'
Protein context (NP_001175.2, residues 602-622): HSDDGCLKLT[Thr612Ile]FAANLLTLSC